The following is an entry in ClinVar:

ClinVar aggregate classification (germline): Uncertain significance. Review status: criteria provided, multiple submitters, no conflicts (2 of 4 stars). 2 submissions from 2 submitters: Uncertain significance (2). Last evaluated 2025-05-05.

Conditions:
Cardiovascular phenotype. Identifiers: MedGen CN230736.

gnomAD v4.1: 9 of 1,613,946 alleles (0.00056%); highest among the groups gnomAD compares: African/African-American, 0.0013%; no homozygotes.

Submissions (2):

GeneDx
Classification: Uncertain significance. Last evaluated: 2025-05-05. Review status: criteria provided, single submitter. Criteria: GeneDx Variant Classification Process June 2021. Collection method: clinical testing. Allele origin: germline. Affected: yes.
Comment: Not observed at significant frequency in large population cohorts (gnomAD); In silico analysis supports that this missense variant has a deleterious effect on protein structure/function; Has not been previously published as pathogenic or benign to our knowledge

Ambry Genetics
Classification: Uncertain significance for Cardiovascular phenotype. Last evaluated: 2024-09-25. Review status: criteria provided, single submitter. Criteria: Ambry Variant Classification Scheme 2023. Collection method: clinical testing. Allele origin: germline.
Comment: The p.R267H variant (also known as c.800G>A), located in coding exon 6 of the ACVRL1 gene, results from a G to A substitution at nucleotide position 800. The arginine at codon 267 is replaced by histidine, an amino acid with highly similar properties. This amino acid position is well conserved in available vertebrate species. In addition, this alteration is predicted to be deleterious by in silico analysis. Based on the available evidence, the clinical significance of this variant remains unclear.

NM_000020.3(ACVRL1):c.800G>A (p.Arg267His)

Gene: ACVRL1 (activin A receptor like type 1; plus strand). Cytogenetic location: 12q13.13.
Variant type: single nucleotide variant.
Coding change: c.800G>A on transcript NM_000020.3 (MANE Select); coding-DNA position 800, G replaced by A.
Protein change: p.Arg267His; replaces arginine 267 with histidine.
Molecular consequence: missense variant.
Genome position (GRCh38, 1-based): chr12:51,915,252, G>A. VCF-style: chr12-51915252-G-A. GRCh37 (hg19) VCF-style: chr12-52309036-G-A.
Other names: c.800G>A, p.Arg267His (NM_001077401.2, NM_001406487.1, NM_001406488.1 and 1 more transcripts); c.488G>A, p.Arg163His (NM_001406490.1, NM_001406491.1, NM_001406492.1 and 2 more transcripts); c.236G>A, p.Arg79His (NM_001406495.1); short protein forms R163H, R267H, R79H.
Identifiers: ClinVar variation 3485616 (VCV003485616.2).